The following is an entry in ClinVar:

NM_005198.5(CHKB):c.856T>C (p.Tyr286His)

Genes: CHKB-CPT1B (CHKB-CPT1B readthrough (NMD candidate); minus strand), CHKB (choline kinase beta; minus strand). Cytogenetic location: 22q13.33.
Variant type: single nucleotide variant.
Coding change: c.856T>C on transcript NM_005198.5 (MANE Select); coding-DNA position 856, T replaced by C.
Protein change: p.Tyr286His; replaces tyrosine 286 with histidine.
Molecular consequence: missense variant. On other transcripts: non-coding transcript variant (1).
Genome position (GRCh38, 1-based): chr22:50,580,045, A>G on the plus strand (T>C on the coding strand, the complement: CHKB is on the minus strand). VCF-style: chr22-50580045-A-G. GRCh37 (hg19) VCF-style: chr22-51018474-A-G.
Other names: short protein forms Y286H.
Identifiers: ClinVar variation 420285 (VCV000420285.12), dbSNP rs764474062, ClinGen allele CA10323608.

ClinVar aggregate classification (germline): Uncertain significance. Review status: criteria provided, multiple submitters, no conflicts (2 of 4 stars). 4 submissions from 4 submitters: Uncertain significance (4). Last evaluated 2026-06-15.

Conditions:
Inborn genetic diseases. Identifiers: MedGen C0950123, MeSH D030342.
Megaconial type congenital muscular dystrophy (MDCMC). Also called: CHKB-Related Muscular Dystrophy; MUSCULAR DYSTROPHY, CONGENITAL, WITH MITOCHONDRIAL STRUCTURAL ABNORMALITIES; CHKB-Related Muscle Diseases. Identifiers: Orphanet 280671, MedGen C1865233, MONDO:0011246, OMIM 602541.

Allele frequency attached by ClinVar (database versions not stated): ExAC 0.00001; TOPMed 0.00003.
gnomAD v4.1: 6 of 1,613,980 alleles (0.00037%); highest among the groups gnomAD compares: Admixed American, 0.01%; no homozygotes.

Submissions (4):

Ambry Genetics
Classification: Uncertain significance for Inborn genetic diseases. Last evaluated: 2026-06-15. Review status: criteria provided, single submitter. Criteria: Ambry Variant Classification Scheme 2023. Collection method: clinical testing. Allele origin: germline.

Labcorp Genetics (formerly Invitae), Labcorp
Classification: Uncertain significance for Megaconial type congenital muscular dystrophy. Last evaluated: 2024-11-04. Review status: criteria provided, single submitter. Criteria: Invitae Variant Classification Sherloc (09022015). Collection method: clinical testing. Allele origin: germline.
Comment: This sequence change replaces tyrosine, which is neutral and polar, with histidine, which is basic and polar, at codon 286 of the CHKB protein (p.Tyr286His). This variant is present in population databases (rs764474062, gnomAD 0.01%). This variant has not been reported in the literature in individuals affected with CHKB-related conditions. ClinVar contains an entry for this variant (Variation ID: 420285). Invitae Evidence Modeling of protein sequence and biophysical properties (such as structural, functional, and spatial information, amino acid conservation, physicochemical variation, residue mobility, and thermodynamic stability) indicates that this missense variant is expected to disrupt CHKB protein function with a positive predictive value of 80%. In summary, the available evidence is currently insufficient to determine the role of this variant in disease. Therefore, it has been classified as a Variant of Uncertain Significance.

Revvity Omics, Revvity
Classification: Uncertain significance for Megaconial type congenital muscular dystrophy. Last evaluated: 2023-04-17. Review status: criteria provided, single submitter. Criteria: ACMG Guidelines, 2015. Collection method: clinical testing. Allele origin: germline.

GeneDx
Classification: Uncertain significance. Last evaluated: 2016-07-27. Review status: criteria provided, single submitter. Criteria: GeneDx Variant Classification (06012015). Collection method: clinical testing. Allele origin: germline. Affected: yes.
Comment: A variant of uncertain significance has been identified in the CHKB gene. The Y286H variant has not been published as a pathogenic variant, nor has it been reported as a benign variant to our knowledge. It was not observed in approximately 6,500 individuals of European and African American ancestry in the NHLBI Exome Sequencing Project, indicating it is not a common benign variant in these populations. The Y286H variant is a non-conservative amino acid substitution, which is likely to impact secondary protein structure as these residues differ in polarity, charge, size and/or other properties. This substitution occurs at a position that is conserved across species and in silico analysis predicts this variant is probably damaging to the protein structure/function. However, based on the currently available information, it is unclear whether this variant is a pathogenic variant or a rare benign variant.